The following is an entry in ClinVar:

NM_020832.3(ZNF687):c.1324C>A (p.Leu442Ile)

Gene: ZNF687 (zinc finger protein 687; plus strand). Cytogenetic location: 1q21.3.
Variant type: single nucleotide variant.
Coding change: c.1324C>A on transcript NM_020832.3 (MANE Select); coding-DNA position 1324, C replaced by A.
Protein change: p.Leu442Ile; replaces leucine 442 with isoleucine.
Molecular consequence: missense variant.
Genome position (GRCh38, 1-based): chr1:151,287,615, C>A. VCF-style: chr1-151287615-C-A. GRCh37 (hg19) VCF-style: chr1-151260091-C-A.
Other names: c.1324C>A, p.Leu442Ile (NM_001304763.2, NM_001304764.2); short protein forms L442I.
Identifiers: ClinVar variation 1979113 (VCV001979113.4), dbSNP rs1472688668, ClinGen allele CA341939115.

ClinVar aggregate classification (germline): Uncertain significance (1 of 4 stars; one submission).

gnomAD v4.1: 9 of 1,613,318 alleles (0.00056%); highest among the groups gnomAD compares: Non-Finnish European, 0.00076%; no homozygotes.

Submission:

Labcorp Genetics (formerly Invitae), Labcorp
Classification: Uncertain significance. Last evaluated: 2025-10-25. Review status: criteria provided, single submitter. Criteria: Invitae Variant Classification Sherloc (09022015). Collection method: clinical testing. Allele origin: germline.
Comment: This sequence change replaces leucine, which is neutral and non-polar, with isoleucine, which is neutral and non-polar, at codon 442 of the ZNF687 protein (p.Leu442Ile). This variant is present in population databases (no rsID available, gnomAD no frequency). This variant has not been reported in the literature in individuals affected with ZNF687-related conditions. ClinVar contains an entry for this variant (Variation ID: 1979113). An algorithm developed to predict the effect of missense changes on protein structure and function (PolyPhen-2) suggests that this variant is likely to be tolerated. In summary, the available evidence is currently insufficient to determine the role of this variant in disease. Therefore, it has been classified as a Variant of Uncertain Significance.